The following is an entry in ClinVar:

ClinVar aggregate classification (germline): Conflicting classifications of pathogenicity. Review status: criteria provided, conflicting classifications (1 of 4 stars). 4 submissions from 4 submitters: Likely pathogenic (3); Uncertain significance (1). Last evaluated 2025-12-18.

Conditions:
Autosomal dominant and autosomal recessive NAGLU-related disorders.
Mucopolysaccharidosis, MPS-III-B (MPS3B). Also called: N-ACETYL-ALPHA-D-GLUCOSAMINIDASE DEFICIENCY; NAGLU DEFICIENCY; SANFILIPPO SYNDROME B; MPS III B; MPS IIIB (Sanfilippo Syndrome Type B); MUCOPOLYSACCHARIDOSIS, TYPE IIIB. Identifiers: Orphanet 79270, MedGen C0086648, MONDO:0009656, OMIM 252920.
Charcot-Marie-Tooth disease axonal type 2V. Also called: CHARCOT-MARIE-TOOTH NEUROPATHY, TYPE 2V; CHARCOT-MARIE-TOOTH DISEASE, AXONAL, AUTOSOMAL DOMINANT, TYPE 2V. Identifiers: Orphanet 447964, MedGen C5569050, MONDO:0014665, OMIM 616491.

Submissions (4):

Variantyx, Inc.
Classification: Likely pathogenic for Autosomal dominant and autosomal recessive NAGLU-related disorders. Last evaluated: 2025-12-18. Review status: criteria provided, single submitter. Criteria: Variantyx Assertion Criteria 2022. Collection method: clinical testing. Allele origin: germline. Inheritance: Autosomal recessive inheritance. Affected: no.
Comment: This is a nonsynonymous variant in the NAGLU gene (OMIM: 609701). Pathogenic variants in this gene have been associated with autosomal dominant and autosomal recessive NAGLU-related disorders. This variant has been reported in the homozygous or compound heterozygous state in 2 individuals affected with autosomal recessive mucopolysaccharidosis IIIB (PMID: 11153910). Functional studies have shown that this variant alters NAGLU protein function (PMID: 23840811, 11153910) (PS3), aqnd multiple computational algorithms predict a deleterious effect for this variant (REVEL score: 0.761) (PP3). This variant is absent from control populations (PM2). Based on the current evidence, this variant is classified as likely pathogenic for autosomal dominant and autosomal recessive NAGLU-related disorders.

Natera, Inc.
Classification: Likely pathogenic for Mucopolysaccharidosis type IIIB. Last evaluated: 2025-12-05. Review status: criteria provided, single submitter. Criteria: Natera Variant Classification Schema (03/2026). Collection method: clinical testing. Allele origin: germline.
Comment: The c.103C>T variant in NAGLU is a missense variant predicted to cause substitution of leucine to phenylalanine at amino acid 35. This variant is rare in the general population with a frequency below the threshold expected for the associated phenotype(s). This variant has been observed in one or more individuals affected with the associated recessive disease, as either homozygous or compound heterozygous with a second variant (PMID: 11153910, 23840811). Functional studies show that this variant may disrupt protein function (PMID: 11153910). Computational prediction algorithms indicate this variant is likely to affect gene or protein function. Given the available evidence, this variant is classified as Likely Pathogenic.

Women's Health and Genetics/Laboratory Corporation of America, LabCorp
Classification: Uncertain significance. Last evaluated: 2025-10-24. Review status: criteria provided, single submitter. Criteria: LabCorp Variant Classification Summary - May 2015. Collection method: clinical testing. Allele origin: germline.
Comment: Variant summary: NAGLU c.103C>T (p.Leu35Phe) results in a non-conservative amino acid change located in the Alpha-N-acetylglucosaminidase, N-terminal domain (IPR024240) of the encoded protein sequence. Algorithms developed to predict the effect of missense changes on protein structure and function all suggest that this variant is likely to be disruptive. The frequency data for this variant in gnomAD is considered unreliable, as metrics indicate poor data quality at this position. c.103C>T has been reported in the literature in a compound heterozygous individual affected with Mucopolysaccharidosis Type IIIB (Sanfilippo Syndrome B) (Tessitore_2000). These data do not allow any conclusion about variant significance. At least one publication reports experimental evidence evaluating an impact on protein function, however, does not allow convincing conclusions about the variant effect (Mauri_2013). The following publications have been ascertained in the context of this evaluation (PMID: 23840811, 11153910). ClinVar contains an entry for this variant (Variation ID: 1490129). Based on the evidence outlined above, the variant was classified as uncertain significance.

Labcorp Genetics (formerly Invitae), Labcorp
Classification: Likely pathogenic for Charcot-Marie-Tooth disease axonal type 2V; Mucopolysaccharidosis, MPS-III-B. Last evaluated: 2023-05-16. Review status: criteria provided, single submitter. Criteria: Invitae Variant Classification Sherloc (09022015). Collection method: clinical testing. Allele origin: germline.
Comment: In summary, the currently available evidence indicates that the variant is pathogenic, but additional data are needed to prove that conclusively. Therefore, this variant has been classified as Likely Pathogenic. This variant disrupts the p.Leu35 amino acid residue in NAGLU. Other variant(s) that disrupt this residue have been observed in individuals with NAGLU-related conditions (Invitae), which suggests that this may be a clinically significant amino acid residue. Experimental studies have shown that this missense change affects NAGLU function (PMID: 11153910). Advanced modeling of protein sequence and biophysical properties (such as structural, functional, and spatial information, amino acid conservation, physicochemical variation, residue mobility, and thermodynamic stability) performed at Invitae indicates that this missense variant is expected to disrupt NAGLU protein function. ClinVar contains an entry for this variant (Variation ID: 1490129). This missense change has been observed in individual(s) with mucopolysaccharidosis type III (PMID: 11153910, 23840811). This variant is not present in population databases (gnomAD no frequency). This sequence change replaces leucine, which is neutral and non-polar, with phenylalanine, which is neutral and non-polar, at codon 35 of the NAGLU protein (p.Leu35Phe).

Literature cited by the submitters: PubMed 23840811 (cited by 4 submitters); PubMed 11153910 (cited by 4 submitters).

NM_000263.4(NAGLU):c.103C>T (p.Leu35Phe)

Genes: NAGLU (N-acetyl-alpha-glucosaminidase; plus strand), LOC130060903 (ATAC-STARR-seq lymphoblastoid silent region 8533; plus strand). Cytogenetic location: 17q21.2.
Variant type: single nucleotide variant.
Coding change: c.103C>T on transcript NM_000263.4 (MANE Select); coding-DNA position 103, C replaced by T.
Protein change: p.Leu35Phe; replaces leucine 35 with phenylalanine.
Molecular consequence: missense variant.
Genome position (GRCh38, 1-based): chr17:42,536,375, C>T. VCF-style: chr17-42536375-C-T. GRCh37 (hg19) VCF-style: chr17-40688393-C-T.
Other names: c.103C>T (NM_000263.3); short protein forms L35F.
Identifiers: ClinVar variation 1490129 (VCV001490129.11), dbSNP rs2143075651, ClinGen allele CA399595314.